The following is an entry in ClinVar:

ClinVar aggregate classification (germline): Uncertain significance (1 of 4 stars; one submission).

Conditions:
Charcot-Marie-Tooth disease recessive intermediate C. Also called: CHARCOT-MARIE-TOOTH NEUROPATHY, RECESSIVE INTERMEDIATE C. Identifiers: Orphanet 369867, MedGen C3809309, MONDO:0014154, OMIM 615376.
Neuronopathy, distal hereditary motor, autosomal recessive 4. Also called: NEUROPATHY, DISTAL HEREDITARY MOTOR, AUTOSOMAL RECESSIVE 4; Autosomal recessive lower motor neuron disease with childhood onset. Identifiers: Orphanet 206580, MedGen C1970211, MONDO:0012608, OMIM 611067.

Allele frequency attached by ClinVar (database versions not stated): gnomAD exomes 0.00001.
gnomAD v4.1: 16 of 1,607,986 alleles (0.001%); highest among the groups gnomAD compares: East Asian, 0.0022%; no homozygotes.

Submission:

Labcorp Genetics (formerly Invitae), Labcorp
Classification: Uncertain significance for Neuronopathy, distal hereditary motor, autosomal recessive 4; Charcot-Marie-Tooth disease recessive intermediate C. Last evaluated: 2022-02-03. Review status: criteria provided, single submitter. Criteria: Invitae Variant Classification Sherloc (09022015). Collection method: clinical testing. Allele origin: germline.
Comment: This sequence change replaces threonine, which is neutral and polar, with alanine, which is neutral and non-polar, at codon 825 of the PLEKHG5 protein (p.Thr825Ala). This variant is not present in population databases (gnomAD no frequency). This variant has not been reported in the literature in individuals affected with PLEKHG5-related conditions. ClinVar contains an entry for this variant (Variation ID: 962217). Algorithms developed to predict the effect of missense changes on protein structure and function (SIFT, PolyPhen-2, Align-GVGD) all suggest that this variant is likely to be tolerated. Algorithms developed to predict the effect of sequence changes on RNA splicing suggest that this variant may create or strengthen a splice site. In summary, the available evidence is currently insufficient to determine the role of this variant in disease. Therefore, it has been classified as a Variant of Uncertain Significance.

NM_020631.6(PLEKHG5):c.2473A>G (p.Thr825Ala)

Gene: PLEKHG5 (pleckstrin homology and RhoGEF domain containing G5; minus strand). Cytogenetic location: 1p36.31.
Variant type: single nucleotide variant.
Coding change: c.2473A>G on transcript NM_020631.6 (MANE Select); coding-DNA position 2473, A replaced by G.
Protein change: p.Thr825Ala; replaces threonine 825 with alanine.
Molecular consequence: missense variant.
Genome position (GRCh38, 1-based): chr1:6,468,363, T>C on the plus strand (A>G on the coding strand, the complement: PLEKHG5 is on the minus strand). VCF-style: chr1-6468363-T-C. GRCh37 (hg19) VCF-style: chr1-6528423-T-C.
Other names: c.2584A>G, p.Thr862Ala (NM_001042663.3, NM_001265592.2); c.2473A>G, p.Thr825Ala (NM_001042664.2, NM_001042665.2, NM_001265594.3 and 1 more transcripts); c.2680A>G, p.Thr894Ala (NM_001265593.2); short protein forms T825A, T862A, T894A.
Identifiers: ClinVar variation 962217 (VCV000962217.7), dbSNP rs779264802, ClinGen allele CA17233996.